The following is an entry in ClinVar:

ClinVar aggregate classification (germline): Conflicting classifications of pathogenicity. Review status: criteria provided, conflicting classifications (1 of 4 stars). 4 submissions from 4 submitters: Uncertain significance (2); Likely benign (2). Last evaluated 2025-03-16.

Conditions:
Long QT syndrome (LQTS). Identifiers: MedGen C0023976, MeSH D008133, MONDO:0002442. Disease mechanism: loss of function. Inheritance: Various modes of inheritance.
Cardiac arrhythmia, ankyrin-B-related. Also called: ANKYRIN-B SYNDROME. Identifiers: Orphanet 101016, Orphanet 768, MedGen C1970119, MONDO:0010958, OMIM 600919.
Cardiovascular phenotype. Identifiers: MedGen CN230736.

Allele frequency attached by ClinVar (database versions not stated): gnomAD exomes 0.00002 and 0.00003; ExAC 0.00003; gnomAD 0.00003; TOPMed 0.00003.
gnomAD v4.1: 35 of 1,613,990 alleles (0.0022%); highest among the groups gnomAD compares: South Asian, 0.021%; no homozygotes.

Submissions (4):

Labcorp Genetics (formerly Invitae), Labcorp
Classification: Uncertain significance for Long QT syndrome. Last evaluated: 2025-03-16. Review status: criteria provided, single submitter. Criteria: Invitae Variant Classification Sherloc (09022015). Collection method: clinical testing. Allele origin: germline.
Comment: This sequence change replaces glycine, which is neutral and non-polar, with arginine, which is basic and polar, at codon 2577 of the ANK2 protein (p.Gly2577Arg). This variant is present in population databases (rs768485016, gnomAD 0.02%). This variant has not been reported in the literature in individuals affected with ANK2-related conditions. ClinVar contains an entry for this variant (Variation ID: 964018). An algorithm developed to predict the effect of missense changes on protein structure and function (PolyPhen-2) suggests that this variant is likely to be disruptive. In summary, the available evidence is currently insufficient to determine the role of this variant in disease. Therefore, it has been classified as a Variant of Uncertain Significance.

Blueprint Genetics
Classification: Likely benign. Last evaluated: 2024-07-05. Review status: criteria provided, single submitter. Criteria: ACMG Guidelines, 2015. Collection method: clinical testing. Allele origin: germline.

Ambry Genetics
Classification: Likely benign for Cardiovascular phenotype. Last evaluated: 2023-08-01. Review status: criteria provided, single submitter. Criteria: Ambry Variant Classification Scheme 2023. Collection method: clinical testing. Allele origin: germline.

Baylor Genetics
Classification: Uncertain significance for Cardiac arrhythmia, ankyrin-B-related. Last evaluated: 2020-02-10. Review status: criteria provided, single submitter. Criteria: ACMG Guidelines, 2015. Collection method: clinical testing. Allele origin: unknown. Affected: yes.
Comment: This variant was determined to be of uncertain significance according to ACMG Guidelines, 2015 [PMID:25741868].

NM_001148.6(ANK2):c.7729G>A (p.Gly2577Arg)

Genes: ANK2 (ankyrin 2; plus strand), LOC126807137 (CDK7 strongly-dependent group 2 enhancer GRCh37_chr4:114276560-114277759; plus strand). Cytogenetic location: 4q26.
Variant type: single nucleotide variant.
Coding change: c.7729G>A on transcript NM_001148.6 (MANE Select); coding-DNA position 7729, G replaced by A.
Protein change: p.Gly2577Arg; replaces glycine 2577 with arginine.
Molecular consequence: missense variant. On other transcripts: intron variant (68).
Genome position (GRCh38, 1-based): chr4:113,356,347, G>A. VCF-style: chr4-113356347-G-A. GRCh37 (hg19) VCF-style: chr4-114277503-G-A.
Other names: c.7495G>A, p.Gly2499Arg (NM_001386142.1); c.4129G>A, p.Gly1377Arg (NM_001386166.1); c.7870G>A, p.Gly2624Arg (NM_001386174.1); c.7846G>A, p.Gly2616Arg (NM_001386175.1); c.4412-4476G>A (NM_001386186.2, NM_001386148.2); c.4214-4476G>A (NM_001354269.3); c.4292-4476G>A (NM_001386187.2); c.4253-4476G>A (NM_001386147.1); and 35 more; short protein forms G2577R, G1377R, G2499R, G2616R, G2624R.
Identifiers: ClinVar variation 964018 (VCV000964018.11), dbSNP rs768485016, ClinGen allele CA3051646.